The following is an entry in ClinVar:

ClinVar aggregate classification (germline): Uncertain significance. Review status: criteria provided, multiple submitters, no conflicts (2 of 4 stars). 2 submissions from 2 submitters: Uncertain significance (2). Last evaluated 2023-06-08.

Conditions:
Hereditary pheochromocytoma and paraganglioma. Also called: Hereditary paragangliomas and pheochromocytomas; Hereditary Paraganglioma-Pheochromocytoma Syndromes; Hereditary pheochromocytoma-paraganglioma. Identifiers: Orphanet 29072, MedGen C4274332, MONDO:0017366.
Hereditary cancer-predisposing syndrome. Also called: Tumor predisposition; Hereditary Cancer Syndrome; Hereditary neoplastic syndrome; Neoplastic Syndromes, Hereditary. Identifiers: Orphanet 140162, MedGen C0027672, MeSH D009386, MONDO:0015356.

Submissions (2):

Ambry Genetics
Classification: Uncertain significance for Hereditary cancer-predisposing syndrome. Last evaluated: 2023-06-08. Review status: criteria provided, single submitter. Criteria: Ambry Variant Classification Scheme 2023. Collection method: clinical testing. Allele origin: germline.
Comment: The p.Y160* variant (also known as c.480C>G), located in coding exon 4 of the SDHAF2 gene, results from a C to G substitution at nucleotide position 480. This changes the amino acid from a tyrosine to a stop codon within coding exon 4. This alteration occurs at the 3' terminus of theSDHAF2 gene, is not expected to trigger nonsense-mediated mRNAdecay, and only impacts the last 7 amino acids of the protein. The exact functional effect of this alteration is unknown. This variant is considered to be rare based on population cohorts in the Genome Aggregation Database (gnomAD). Since supporting evidence is limited at this time, the clinical significance of this alteration remains unclear.

Labcorp Genetics (formerly Invitae), Labcorp
Classification: Uncertain significance for Hereditary pheochromocytoma and paraganglioma. Last evaluated: 2022-03-26. Review status: criteria provided, single submitter. Criteria: Invitae Variant Classification Sherloc (09022015). Collection method: clinical testing. Allele origin: germline.
Comment: This sequence change creates a premature translational stop signal (p.Tyr160*) in the SDHAF2 gene. While this is not anticipated to result in nonsense mediated decay, it is expected to disrupt the last 7 amino acid(s) of the SDHAF2 protein. In summary, the available evidence is currently insufficient to determine the role of this variant in disease. Therefore, it has been classified as a Variant of Uncertain Significance. This variant is not present in population databases (gnomAD no frequency). This variant has not been reported in the literature in individuals affected with SDHAF2-related conditions. Experimental studies and prediction algorithms are not available or were not evaluated, and the functional significance of this variant is currently unknown.

NM_017841.4(SDHAF2):c.480C>G (p.Tyr160Ter)

Gene: SDHAF2 (succinate dehydrogenase complex assembly factor 2; plus strand). Cytogenetic location: 11q12.2.
Variant type: single nucleotide variant.
Coding change: c.480C>G on transcript NM_017841.4 (MANE Select); coding-DNA position 480, C replaced by G.
Protein change: p.Tyr160Ter; replaces tyrosine 160 with a stop codon.
Molecular consequence: nonsense.
Genome position (GRCh38, 1-based): chr11:61,446,050, C>G. VCF-style: chr11-61446050-C-G. GRCh37 (hg19) VCF-style: chr11-61213522-C-G.
Other names: short protein forms Y160*.
Identifiers: ClinVar variation 2086192 (VCV002086192.6), dbSNP rs1862133697, ClinGen allele CA380685580.